The following is an entry in ClinVar:

NM_002485.5(NBN):c.196T>G (p.Leu66Val)

Gene: NBN (nibrin; minus strand). Cytogenetic location: 8q21.3.
Variant type: single nucleotide variant.
Coding change: c.196T>G on transcript NM_002485.5 (MANE Select); coding-DNA position 196, T replaced by G.
Protein change: p.Leu66Val; replaces leucine 66 with valine.
Molecular consequence: missense variant. On other transcripts: 5 prime UTR variant (1).
Genome position (GRCh38, 1-based): chr8:89,981,499, A>C on the plus strand (T>G on the coding strand, the complement: NBN is on the minus strand). VCF-style: chr8-89981499-A-C. GRCh37 (hg19) VCF-style: chr8-90993727-A-C.
Other names: c.-51T>G (NM_001024688.3); short protein forms L66V.
Identifiers: ClinVar variation 483948 (VCV000483948.4), dbSNP rs1554568371, ClinGen allele CA371662593.

ClinVar aggregate classification (germline): Uncertain significance (1 of 4 stars; one submission).

Conditions:
Hereditary cancer-predisposing syndrome. Also called: Neoplastic Syndromes, Hereditary; Tumor predisposition; Hereditary Cancer Syndrome; Hereditary neoplastic syndrome. Identifiers: Orphanet 140162, MedGen C0027672, MeSH D009386, MONDO:0015356.

Submission:

Ambry Genetics
Classification: Uncertain significance for Hereditary cancer-predisposing syndrome. Last evaluated: 2016-01-20. Review status: criteria provided, single submitter. Criteria: Ambry Variant Classification Scheme 2023. Collection method: clinical testing. Allele origin: germline.
Comment: The p.L66V variant (also known as c.196T>G), located in coding exon 3 of the NBN gene, results from a T to G substitution at nucleotide position 196. The leucine at codon 66 is replaced by valine, an amino acid with highly similar properties. This variant was not reported in population based cohorts in the following databases: Database of Single Nucleotide Polymorphisms (dbSNP), NHLBI Exome Sequencing Project (ESP), and 1000 Genomes Project. In the ESP, this variant was not observed in 6503 samples (13006 alleles) with coverage at this position. To date, this alteration has been detected with an allele frequency of approximately 0.001% (greater than 120000 alleles tested) in our clinical cohort. This amino acid position is highly conserved in available vertebrate species. In addition, this alteration is predicted to be probably damaging yet tolerated by PolyPhen and SIFT in silico analyses, respectively. Since supporting evidence is limited at this time, the clinical significance of this alteration remains unclear.